The following is an entry in ClinVar:

NM_002769.5(PRSS1):c.235G>A (p.Glu79Lys)

Genes: PRSS1 (serine protease 1; plus strand), TRB (T cell receptor beta locus; plus strand). Cytogenetic location: 7q34.
Variant type: single nucleotide variant.
Coding change: c.235G>A on transcript NM_002769.5 (MANE Select); coding-DNA position 235, G replaced by A.
Protein change: p.Glu79Lys; replaces glutamic acid 79 with lysine.
Molecular consequence: missense variant.
Genome position (GRCh38, 1-based): chr7:142,751,808, G>A. VCF-style: chr7-142751808-G-A. GRCh37 (hg19) VCF-style: chr7-142459659-G-A.
Other names: short protein forms E79K.
Identifiers: ClinVar variation 11880 (VCV000011880.26), dbSNP rs111033564, ClinGen allele CA256107.

ClinVar aggregate classification (germline): Uncertain significance. Review status: criteria provided, multiple submitters, no conflicts (2 of 4 stars). 8 submissions from 8 submitters: Uncertain significance (7). 1 of the submissions does not count toward it. Last evaluated 2026-01-26.

Conditions:
Hereditary pancreatitis (PCTT). Also called: Hereditary chronic pancreatitis; PRSS1-Related Hereditary Pancreatitis. Identifiers: Orphanet 676, MedGen C0238339, MONDO:0008185, OMIM 167800.

Allele frequency attached by ClinVar (database versions not stated): gnomAD exomes 0.00004; ExAC 0.00006; gnomAD 0.00010 and 0.00011; ESP Exome Variant Server 0.00015; 1000 Genomes Project 30x 0.00031; 1000 Genomes Project 0.00040.

Submissions (8):

Women's Health and Genetics/Laboratory Corporation of America, LabCorp
Classification: Uncertain significance. Last evaluated: 2026-01-26. Review status: criteria provided, single submitter. Criteria: LabCorp Variant Classification Summary - May 2015. Collection method: clinical testing. Allele origin: germline.
Comment: Variant summary: PRSS1 c.235G>A (p.Glu79Lys) results in a conservative amino acid change located in the trypsin domain (IPR001254) of the encoded protein sequence. Algorithms developed to predict the effect of missense changes on protein structure and function are either unavailable or do not agree on the potential impact of this missense change. The variant allele was found at a frequency of 4.5e-05 in 1615650 control chromosomes, predominantly at a frequency of 0.00024 within the African or African-American subpopulation in the gnomAD database. This frequency is close to the estimated maximal expected allele frequency of a pathogenic PRSS1 causing Chronic Pancreatitis, suggesting this may be a benign polymorphism. Co-occurrence with a pathogenic variant has been reported following internal testing (SPINK1 c.101A>G, p.Asn34Ser) while, there are at least five reported chronic pancreatitis patients in literature that carry CFTR pathogenic variants (5T allele, p.F508del, c.2051_2052delinsG) along with this variant (Keiles_2006, Masson_2013, Oracz_2016, Sultan_2012, Angyal_2024). c.235G>A has been reported in the literature in multiple individuals/families affected with chronic pancreatitis, idiopathic chronic pancreatitis, hereditary pancreatitis and alcohol-related chronic pancreatitis as well as in unaffected controls and unaffected family members (e.g. Chen_2001, Bernardino_2003, Teich_2004, Derikx_2009, Rousseau_2012, Hamoir_2013, Oracz_2016, Masson_2023). Functional studies (Teich_2004, Kereszturi_2009) of E79K trypsin revealed unaltered secretion, catalytic activity, autolysis, and inhibition by pancreatic secretory trypsin inhibitor; however, the variant was found to cause increased trypsinogen activation following transactivation of PRSS2. The following publications have been ascertained in the context of this evaluation (PMID: 14526128, 25543846, 11260229, 19857283, 23751316, 17003641, 19191323, 36517351, 23951356, 27179762, 18755888, 22094894, 20452997, 14695529, 38493004, 39740994).ClinVar contains an entry for this variant (Variation ID: 11880). Based on the evidence outlined above, the variant was classified as uncertain significance.

Labcorp Genetics (formerly Invitae), Labcorp
Classification: Uncertain significance for Hereditary pancreatitis. Last evaluated: 2026-01-25. Review status: criteria provided, single submitter. Criteria: Invitae Variant Classification Sherloc (09022015). Collection method: clinical testing. Allele origin: germline.
Comment: This sequence change replaces glutamic acid, which is acidic and polar, with lysine, which is basic and polar, at codon 79 of the PRSS1 protein (p.Glu79Lys). The frequency data for this variant in the population databases is considered unreliable, as metrics indicate poor data quality at this position in the gnomAD database. This missense change has been observed in individuals with hereditary pancreatitis, idiopathic chronic pancreatitis, and alcohol-related chronic pancreatitis (PMID: 11260229, 14526128, 14695529, 18184119, 23751316, 23951356, 24458023, 27179762). It has also been observed to segregate with disease in related individuals. ClinVar contains an entry for this variant (Variation ID: 11880). Invitae Evidence Modeling of protein sequence and biophysical properties (such as structural, functional, and spatial information, amino acid conservation, physicochemical variation, residue mobility, and thermodynamic stability) indicates that this missense variant is not expected to disrupt PRSS1 protein function with a negative predictive value of 80%. Experimental studies have shown that this missense change affects PRSS1 function (PMID: 14695529, 19191323). In summary, the available evidence is currently insufficient to determine the role of this variant in disease. Therefore, it has been classified as a Variant of Uncertain Significance.

Ambry Genetics
Classification: Uncertain significance for Hereditary pancreatitis. Last evaluated: 2025-10-28. Review status: criteria provided, single submitter. Criteria: Ambry Variant Classification Scheme 2023. Collection method: clinical testing. Allele origin: germline.
Comment: The p.E79K variant (also known as c.235G>A), located in coding exon 3 of the PRSS1 gene, results from a G to A substitution at nucleotide position 235. The glutamic acid at codon 79 is replaced by lysine, an amino acid with similar properties. This variant has been reported in individuals with chronic and recurrent acute pancreatitis, some of whom have variants in other genes that may contribute to their disease; in addition, the variant has been identified in unaffected family members and healthy controls (Teich N et al. Hum. Mutat., 2004 Jan;23:22-31; Chen JM et al. Clin. Genet., 2001 Mar;59:189-93; Oracz G et al. Pancreatology Apr;16:535-41; Bernardino AL et al. JOP, 2003 Sep;4:169-77; Keiles S et al. Pancreas, 2006 Oct;33:221-7; Hamoir C et al. Digestion, 2013 Jun;87:229-39; Masson E et al. PLoS One, 2013 Aug;8:e73522; Wejnarska K et al. J Pediatr Gastroenterol Nutr, 2016 12;63:665-670). This amino acid position is poorly conserved in available vertebrate species. In addition, this alteration is predicted to be tolerated by in silico analysis. Based on available evidence to date, the clinical significance of this variant remains unclear.

Mayo Clinic Laboratories, Mayo Clinic
Classification: Uncertain significance. Last evaluated: 2025-05-28. Review status: criteria provided, single submitter. Criteria: ACMG Guidelines, 2015. Collection method: clinical testing. Allele origin: germline. Observed: 1 variant allele.
Comment: PM2_supporting, PS4

Blueprint Genetics
Classification: Uncertain significance. Last evaluated: 2024-10-25. Review status: criteria provided, single submitter. Criteria: ACMG Guidelines, 2015. Collection method: clinical testing. Allele origin: germline.

ARUP Laboratories, Molecular Genetics and Genomics, ARUP Laboratories
Classification: Uncertain significance for Hereditary pancreatitis. Last evaluated: 2024-04-15. Review status: criteria provided, single submitter. Criteria: ARUP Molecular Germline Variant Investigation Process 2024. Collection method: clinical testing. Allele origin: germline.
Comment: The PRSS1 c.235G>A, p.Glu79Lys variant (rs111033564) is reported in the literature in multiple individuals affected with chronic pancreatitis (Bernardino 2003, Chen 2001, Keiles 2006, Rebours 2009, Masson 2013, Teich 2004, Wejnarska 2016), though it has also been reported at similar frequencies in unaffected controls (Bernardino 2003, Chen 2001). Functional characterization of the variant protein indicates no impact on secretion, enzymatic activity, auto-activation or sensitivity to SPINK1 inhibition (Kereszturi 2009, Teich 2004). However, trans-activation of the anionic trypsinogen (PRSS2) was increased two-fold in the presence of p.Glu79Lys variant protein (Teich 2004). This variant is found in the general population with an overall allele frequency of 0.004% (9/251484 alleles) in the Genome Aggregation Database (v2.1.1). Computational analyses are uncertain whether this variant is neutral or deleterious (REVEL: 0.547). Due to the conflicting information regarding this variant, its clinical significance could not be determined with certainty. References: Bernardino A et al. CFTR, PRSS1 and SPINK1 mutations in the development of pancreatitis in Brazilian patients. JOP. 2003; 4(5):169-77. PMID: 14526128. Chen J et al. Mutational screening of the cationic trypsinogen gene in a large cohort of subjects with idiopathic chronic pancreatitis. Clin Genet. 2001; 59(3):189-93. PMID: 11260229. Keiles S et al. Identification of CFTR, PRSS1, and SPINK1 mutations in 381 patients with pancreatitis. Pancreas. 2006; 33(3):221-7. PMID: 17003641. Kereszturi E et al. Hereditary pancreatitis caused by mutation-induced misfolding of human cationic trypsinogen: a novel disease mechanism. Hum Mutat. 2009; 30(4):575-82. PMID: 19191323. Masson E et al. A conservative assessment of the major genetic causes of idiopathic chronic pancreatitis: data from a comprehensive analysis of PRSS1, SPINK1, CTRC and CFTR genes in 253 young French patients. PLoS One. 2013; 8(8):e73522. PMID: 23951356. Rebours V et al. The natural history of hereditary pancreatitis: a national series. Gut. 2009; 58(1):97-103. PMID: 18755888. Teich N et al. Interaction between trypsinogen isoforms in genetically determined pancreatitis: mutation E79K in cationic trypsin (PRSS1) causes increased transactivation of anionic trypsinogen (PRSS2). Hum Mutat. 2004; 23(1):22-31. PMID: 14695529. Wejnarska K et al. The Etiology and Clinical Course of Chronic Pancreatitis in Children With Early Onset of the Disease. J Pediatr Gastroenterol Nutr. 2016 Dec;63(6):665-670. PMID: 27673710.

GeneDx
Classification: Uncertain significance. Last evaluated: 2021-05-14. Review status: criteria provided, single submitter. Criteria: GeneDx Variant Classification Process June 2021. Collection method: clinical testing. Allele origin: germline. Affected: yes.
Comment: In silico analysis supports that this missense variant does not alter protein structure/function; Observed alone and with variants in CFTR in individuals with idiopathic and familial pancreatitis, as well as unaffected controls (Chen 2001, Bernardino 2003, Rebours 2008, Sultan 2012, Hamoir 2013, Masson 2013, Oracz 2016); Published functional studies are inconclusive: catalytic activity and inhibition by pancreatic secretory trypsin inhibitor similar to wild type and differing results regarding the autoactivation of trypsinogen (Teich 2004, Buettner 2014); This variant is associated with the following publications: (PMID: 27673710, 23474566, 16791840, 14695529, 19191323, 11260229, 23951356, 14526128, 20676769, 24458023, 17003641, 18184119, 22094894, 23751316, 27179762, 25543846)

OMIM
Classification: Pathogenic for PANCREATITIS, HEREDITARY. Last evaluated: 2004-01-01. Review status: no assertion criteria provided. Collection method: literature only. Allele origin: unknown. Not counted in ClinVar's aggregate classification.

Literature cited by the submitters: PubMed 14526128 (cited by 3 submitters); PubMed 17003641 (cited by 3 submitters); PubMed 20452997 (cited by Women's Health and Genetics/Laboratory Corporation of America, LabCorp and Mayo Clinic Laboratories, Mayo Clinic); PubMed 19191323 (cited by 3 submitters); PubMed 22094894 (cited by Women's Health and Genetics/Laboratory Corporation of America, LabCorp and Mayo Clinic Laboratories, Mayo Clinic); PubMed 23951356 (cited by 4 submitters); PubMed 11260229 (cited by 4 submitters); PubMed 19857283 (cited by Women's Health and Genetics/Laboratory Corporation of America, LabCorp and Mayo Clinic Laboratories, Mayo Clinic); PubMed 18755888 (cited by Women's Health and Genetics/Laboratory Corporation of America, LabCorp and Mayo Clinic Laboratories, Mayo Clinic); PubMed 14695529 (cited by 5 submitters); PubMed 23751316 (cited by 4 submitters); PubMed 25543846 (cited by Women's Health and Genetics/Laboratory Corporation of America, LabCorp and Mayo Clinic Laboratories, Mayo Clinic); PubMed 27179762 (cited by 4 submitters); PubMed 36517351 (cited by Women's Health and Genetics/Laboratory Corporation of America, LabCorp and Mayo Clinic Laboratories, Mayo Clinic); PubMed 38493004 (cited by Women's Health and Genetics/Laboratory Corporation of America, LabCorp and Mayo Clinic Laboratories, Mayo Clinic); PubMed 39740994 (cited by Women's Health and Genetics/Laboratory Corporation of America, LabCorp); PubMed 18184119 (cited by Labcorp Genetics (formerly Invitae), Labcorp and Mayo Clinic Laboratories, Mayo Clinic); PubMed 24458023 (cited by Labcorp Genetics (formerly Invitae), Labcorp); PubMed 27673710 (cited by Ambry Genetics); PubMed 16791840 (cited by Mayo Clinic Laboratories, Mayo Clinic); PubMed 19550412 (cited by Mayo Clinic Laboratories, Mayo Clinic); PubMed 31036489 (cited by Mayo Clinic Laboratories, Mayo Clinic); PubMed 32387800 (cited by Mayo Clinic Laboratories, Mayo Clinic); PubMed 33257277 (cited by Mayo Clinic Laboratories, Mayo Clinic); PubMed 35089416 (cited by Mayo Clinic Laboratories, Mayo Clinic); PubMed 35435273 (cited by Mayo Clinic Laboratories, Mayo Clinic); PubMed 36369231 (cited by Mayo Clinic Laboratories, Mayo Clinic); PubMed 37581535 (cited by Mayo Clinic Laboratories, Mayo Clinic).